The following is an entry in ClinVar:

ClinVar aggregate classification (germline): Uncertain significance. Review status: criteria provided, multiple submitters, no conflicts (2 of 4 stars). 3 submissions from 3 submitters: Uncertain significance (3). Last evaluated 2026-07-01.

Conditions:
Glycogen storage disease, type II (IOPD). Also called: CARDIOMEGALIA GLYCOGENICA DIFFUSA; GLYCOGENOSIS, GENERALIZED, CARDIAC FORM; GSD II; POMPE DISEASE, INFANTILE-ONSET; GLYCOGEN STORAGE DISEASE II, INFANTILE-ONSET; ACID ALPHA-GLUCOSIDASE DEFICIENCY, INFANTILE-ONSET. Identifiers: Orphanet 365, MedGen C0017921, MONDO:0009290, OMIM 232300.

Allele frequency attached by ClinVar (database versions not stated): gnomAD exomes below 0.00001; TOPMed 0.00001.
gnomAD v4.1: 25 of 1,613,190 alleles (0.0015%); highest among the groups gnomAD compares: East Asian, 0.047%; no homozygotes.

Submissions (3):

Genomenon, Inc
Classification: Uncertain significance for Glycogen storage disease, type II. Last evaluated: 2026-07-01. Review status: criteria provided, single submitter. Criteria: Genomenon Sequence Variant Interpretation Standards - Updated. Collection method: curation. Allele origin: germline. Affected: no.
Comment: GAA c.54C>T is a synonymous variant that retains Leucine at codon 18. This variant has been reported in the published literature (PMID:22644586). Splicing studies have been reported (PMID:31301153). It is absent or not present at a significant frequency in gnomAD. In conclusion, we classify GAA c.54C>T (p.Leu18=) as a variant of uncertain significance.

Labcorp Genetics (formerly Invitae), Labcorp
Classification: Uncertain significance for Glycogen storage disease, type II. Last evaluated: 2021-09-16. Review status: criteria provided, single submitter. Criteria: Invitae Variant Classification Sherloc (09022015). Collection method: clinical testing. Allele origin: germline.
Comment: This sequence change affects codon 18 of the GAA mRNA. It is a 'silent' change, meaning that it does not change the encoded amino acid sequence of the GAA protein. RNA analysis indicates that this variant induces altered splicing and is likely to result in the loss of the initiator methionine. This variant is not present in population databases (ExAC no frequency). This variant has been observed in individual(s) with Pompe disease (PMID: 22644586). ClinVar contains an entry for this variant (Variation ID: 325773). Studies have shown that this variant results in skipping of exon 2, and is expected to result in the loss of the initiator methionine (PMID: 31301153). In summary, the available evidence is currently insufficient to determine the role of this variant in disease. Therefore, it has been classified as a Variant of Uncertain Significance.

Illumina Laboratory Services, Illumina
Classification: Uncertain significance for Glycogen storage disease, type II. Last evaluated: 2018-01-12. Review status: criteria provided, single submitter. Criteria: ICSL Variant Classification Criteria 13 December 2019. Collection method: clinical testing. Allele origin: germline.

Literature cited by the submitters: PubMed 22644586 (cited by Genomenon, Inc and Labcorp Genetics (formerly Invitae), Labcorp); PubMed 31301153 (cited by Genomenon, Inc and Labcorp Genetics (formerly Invitae), Labcorp).

NM_000152.5(GAA):c.54C>T (p.Leu18=)

Gene: GAA (alpha glucosidase; plus strand). Cytogenetic location: 17q25.3.
Variant type: single nucleotide variant.
Coding change: c.54C>T on transcript NM_000152.5 (MANE Select); coding-DNA position 54, C replaced by T.
Protein change: p.Leu18=; no amino-acid change (leucine 18 retained).
Molecular consequence: synonymous variant.
Genome position (GRCh38, 1-based): chr17:80,104,640, C>T. VCF-style: chr17-80104640-C-T. GRCh37 (hg19) VCF-style: chr17-78078439-C-T.
Other names: c.54C>T (LRG_673t1); c.54C>T, p.Leu18= (NM_001079803.3, NM_001079804.3).
Identifiers: ClinVar variation 325773 (VCV000325773.7), dbSNP rs886053542, ClinGen allele CA10647040.